The following is an entry in ClinVar:

NM_001164508.2(NEB):c.23927C>T (p.Ser7976Leu)

Genes: NEB (nebulin; minus strand), RIF1 (replication timing regulatory factor 1; plus strand). Cytogenetic location: 2q23.3.
Variant type: single nucleotide variant.
Coding change: c.23927C>T on transcript NM_001164508.2 (MANE Select); coding-DNA position 23927, C replaced by T.
Protein change: p.Ser7976Leu; replaces serine 7976 with leucine.
Molecular consequence: missense variant.
Genome position (GRCh38, 1-based): chr2:151,502,794, G>A on the plus strand (C>T on the coding strand, the complement: NEB is on the minus strand). VCF-style: chr2-151502794-G-A. GRCh37 (hg19) VCF-style: chr2-152359308-G-A.
Other names: c.23927C>T, p.Ser7976Leu (NM_001164507.2); c.24032C>T, p.Ser8011Leu (NM_001271208.2); c.18824C>T, p.Ser6275Leu (NM_004543.5); short protein forms S8011L, S6275L, S7976L.
Identifiers: ClinVar variation 447757 (VCV000447757.24), dbSNP rs202137113, ClinGen allele CA1906193.

ClinVar aggregate classification (germline): Conflicting classifications of pathogenicity. Review status: criteria provided, conflicting classifications (1 of 4 stars). 7 submissions from 7 submitters: Uncertain significance (5); Likely benign (1). 1 of the submissions does not count toward it. Last evaluated 2026-01-11.

Conditions:
Inborn genetic diseases. Identifiers: MedGen C0950123, MeSH D030342.
Nemaline myopathy 2 (NEM2). Also called: Nemaline myopathy 2, autosomal recessive. Identifiers: MedGen C1850569, MONDO:0009725, OMIM 256030.

Allele frequency attached by ClinVar (database versions not stated): gnomAD exomes 0.00007 and 0.00023; ESP Exome Variant Server 0.00009; gnomAD 0.00011 and 0.00018; TOPMed 0.00012; ExAC 0.00024; 1000 Genomes Project 30x 0.00062; 1000 Genomes Project 0.00080.
gnomAD v4.1: 135 of 1,573,832 alleles (0.0086%); highest among the groups gnomAD compares: East Asian, 0.13%; no homozygotes.

Submissions (7):

Labcorp Genetics (formerly Invitae), Labcorp
Classification: Likely benign for Nemaline myopathy 2. Last evaluated: 2026-01-11. Review status: criteria provided, single submitter. Criteria: Invitae Variant Classification Sherloc (09022015). Collection method: clinical testing. Allele origin: germline.

Ambry Genetics
Classification: Uncertain significance for Inborn genetic diseases. Last evaluated: 2024-05-14. Review status: criteria provided, single submitter. Criteria: Ambry Variant Classification Scheme 2023. Collection method: clinical testing. Allele origin: germline.

Revvity Omics, Revvity
Classification: Uncertain significance. Last evaluated: 2023-09-15. Review status: criteria provided, single submitter. Criteria: ACMG Guidelines, 2015. Collection method: clinical testing. Allele origin: germline.

GeneDx
Classification: Uncertain significance. Last evaluated: 2021-10-12. Review status: criteria provided, single submitter. Criteria: GeneDx Variant Classification Process June 2021. Collection method: clinical testing. Allele origin: germline. Affected: yes.
Comment: In silico analysis supports that this missense variant has a deleterious effect on protein structure/function; Has not been previously published as pathogenic or benign to our knowledge

Athena Diagnostics
Classification: Uncertain significance. Last evaluated: 2020-04-09. Review status: criteria provided, single submitter. Criteria: Athena Diagnostics Criteria. Collection method: clinical testing. Allele origin: unknown.

Illumina Laboratory Services, Illumina
Classification: Uncertain significance for Nemaline myopathy 2. Last evaluated: 2018-01-12. Review status: criteria provided, single submitter. Criteria: ICSL Variant Classification Criteria 13 December 2019. Collection method: clinical testing. Allele origin: germline.

Natera, Inc.
Classification: Uncertain significance for Nemaline myopathy type 2. Last evaluated: 2020-01-17. Review status: no assertion criteria provided. Collection method: clinical testing. Allele origin: germline. Not counted in ClinVar's aggregate classification.